The following is an entry in ClinVar:

NM_182916.3(TRNT1):c.811G>A (p.Ala271Thr)

Gene: TRNT1 (tRNA nucleotidyl transferase 1; plus strand). Cytogenetic location: 3p26.2.
Variant type: single nucleotide variant.
Coding change: c.811G>A on transcript NM_182916.3 (MANE Select); coding-DNA position 811, G replaced by A.
Protein change: p.Ala271Thr; replaces alanine 271 with threonine.
Molecular consequence: missense variant. On other transcripts: non-coding transcript variant (8).
Genome position (GRCh38, 1-based): chr3:3,147,458, G>A. VCF-style: chr3-3147458-G-A. GRCh37 (hg19) VCF-style: chr3-3189142-G-A.
Other names: c.811G>A, p.Ala271Thr (LRG_1314t1, NM_001367321.1, NM_001367322.1 and 1 more transcripts); c.751G>A, p.Ala251Thr (NM_001302946.2); short protein forms A251T, A271T.
Identifiers: ClinVar variation 489387 (VCV000489387.8), dbSNP rs1553555777, ClinGen allele CA351447356.

ClinVar aggregate classification (germline): Uncertain significance (1 of 4 stars; one submission).

Conditions:
Congenital sideroblastic anemia-B-cell immunodeficiency-periodic fever-developmental delay syndrome. Also called: Sideroblastic anemia with B-cell immunodeficiency, periodic fevers, and developmental delay. Identifiers: Orphanet 369861, MedGen C4015172, MONDO:0014487, OMIM 616084.

Allele frequency attached by ClinVar (database versions not stated): gnomAD exomes below 0.00001; TOPMed 0.00001.
gnomAD v4.1: 1 of 1,613,196 alleles (0.000062%); highest among the groups gnomAD compares: Non-Finnish European, 0.000085%; no homozygotes.

Submission:

Labcorp Genetics (formerly Invitae), Labcorp
Classification: Uncertain significance for Congenital sideroblastic anemia-B-cell immunodeficiency-periodic fever-developmental delay syndrome. Last evaluated: 2019-06-19. Review status: criteria provided, single submitter. Criteria: Invitae Variant Classification Sherloc (09022015). Collection method: clinical testing. Allele origin: germline.
Comment: In summary, the available evidence is currently insufficient to determine the role of this variant in disease. Therefore, it has been classified as a Variant of Uncertain Significance. Algorithms developed to predict the effect of missense changes on protein structure and function output the following: SIFT: "Tolerated"; PolyPhen-2: "Benign"; Align-GVGD: "Class C0". The threonine amino acid residue is found in multiple mammalian species, suggesting that this missense change does not adversely affect protein function. These predictions have not been confirmed by published functional studies and their clinical significance is uncertain. This variant has not been reported in the literature in individuals with TRNT1-related conditions. ClinVar contains an entry for this variant (Variation ID: 489387). This variant is not present in population databases (ExAC no frequency). This sequence change replaces alanine with threonine at codon 271 of the TRNT1 protein (p.Ala271Thr). The alanine residue is weakly conserved and there is a small physicochemical difference between alanine and threonine.